The following is an entry in ClinVar:

NM_000051.4(ATM):c.4999G>C (p.Val1667Leu)

Gene: ATM (ATM serine/threonine kinase; plus strand). Cytogenetic location: 11q22.3.
Variant type: single nucleotide variant.
Coding change: c.4999G>C on transcript NM_000051.4 (MANE Select); coding-DNA position 4999, G replaced by C.
Protein change: p.Val1667Leu; replaces valine 1667 with leucine.
Molecular consequence: missense variant.
Genome position (GRCh38, 1-based): chr11:108,297,376, G>C. VCF-style: chr11-108297376-G-C. GRCh37 (hg19) VCF-style: chr11-108168103-G-C.
Other names: c.4999G>C, p.Val1667Leu (NM_001351834.2); short protein forms V1667L.
Identifiers: ClinVar variation 1345283 (VCV001345283.8), dbSNP rs780137734, ClinGen allele CA382538573.

ClinVar aggregate classification (germline): Uncertain significance (1 of 4 stars; one submission).

Conditions:
Ataxia-telangiectasia syndrome (AT). Also called: Ataxia-telangiectasia, complementation group D; ATAXIA-TELANGIECTASIA, COMPLEMENTATION GROUP A; ATAXIA-TELANGIECTASIA, FRESNO VARIANT; Ataxia-telangiectasia, complementation group E; Cerebello-oculocutaneous telangiectasia; Immunodeficiency with ataxia telangiectasia. Identifiers: Orphanet 100, MedGen C0004135, MONDO:0008840, OMIM 208900.

Allele frequency attached by ClinVar (database versions not stated): gnomAD exomes below 0.00001.
gnomAD v4.1: 1 of 1,613,414 alleles (0.000062%); highest among the groups gnomAD compares: Non-Finnish European, 0.000085%; no homozygotes.

Submission:

Labcorp Genetics (formerly Invitae), Labcorp
Classification: Uncertain significance for Ataxia-telangiectasia syndrome. Last evaluated: 2025-07-22. Review status: criteria provided, single submitter. Criteria: Invitae Variant Classification Sherloc (09022015). Collection method: clinical testing. Allele origin: germline.
Comment: This sequence change replaces valine, which is neutral and non-polar, with leucine, which is neutral and non-polar, at codon 1667 of the ATM protein (p.Val1667Leu). This variant is not present in population databases (gnomAD no frequency). This variant has not been reported in the literature in individuals affected with ATM-related conditions. ClinVar contains an entry for this variant (Variation ID: 1345283). Invitae Evidence Modeling of protein sequence and biophysical properties (such as structural, functional, and spatial information, amino acid conservation, physicochemical variation, residue mobility, and thermodynamic stability) indicates that this missense variant is not expected to disrupt ATM protein function with a negative predictive value of 95%. In summary, the available evidence is currently insufficient to determine the role of this variant in disease. Therefore, it has been classified as a Variant of Uncertain Significance.